The following is an entry in ClinVar:

ClinVar aggregate classification (germline): Pathogenic. Review status: criteria provided, multiple submitters, no conflicts (2 of 4 stars). 2 submissions from 2 submitters: Pathogenic (2). Last evaluated 2024-06-05.

Conditions:
Marfan syndrome (MFS). Also called: MARFAN SYNDROME, TYPE I; FBN1-Related Marfan Syndrome; Marfan syndrome type 1; Marfan's syndrome; Marfan syndrome, classic. Identifiers: Orphanet 284963, Orphanet 558, MedGen C0024796, MONDO:0007947, OMIM 154700.
Familial thoracic aortic aneurysm and aortic dissection (TAAD). Also called: Thoracic aortic aneurysms and dissections. Identifiers: Orphanet 91387, MedGen C4707243, MONDO:0019625.

Submissions (2):

Labcorp Genetics (formerly Invitae), Labcorp
Classification: Pathogenic for Marfan syndrome; Familial thoracic aortic aneurysm and aortic dissection. Last evaluated: 2024-06-05. Review status: criteria provided, single submitter. Criteria: Invitae Variant Classification Sherloc (09022015). Collection method: clinical testing. Allele origin: germline.
Comment: This sequence change replaces cysteine, which is neutral and slightly polar, with arginine, which is basic and polar, at codon 2265 of the FBN1 protein (p.Cys2265Arg). This variant is not present in population databases (gnomAD no frequency). This missense change has been observed in individual(s) with clinical features of Marfan syndrome (PMID: 29848614). ClinVar contains an entry for this variant (Variation ID: 2576879). Advanced modeling of protein sequence and biophysical properties (such as structural, functional, and spatial information, amino acid conservation, physicochemical variation, residue mobility, and thermodynamic stability) performed at Invitae indicates that this missense variant is expected to disrupt FBN1 protein function with a positive predictive value of 95%. This variant affects a cysteine residue in the EGF-like, TGFBP or hybrid motif domains of FBN1. Cysteine residues are believed to be involved in intramolecular disulfide bridges and have been shown to be important for FBN1 protein structure (PMID: 16905551, 19349279). In addition, missense substitutions affecting cysteine residues within these domains are significantly overrepresented among patients with Marfan syndrome (PMID: 16571647, 17701892). This variant disrupts the p.Cys2265 amino acid residue in FBN1. Other variant(s) that disrupt this residue have been observed in individuals with FBN1-related conditions (PMID: 19293843, 26787436), which suggests that this may be a clinically significant amino acid residue. For these reasons, this variant has been classified as Pathogenic.

GeneDx
Classification: Pathogenic. Last evaluated: 2023-02-27. Review status: criteria provided, single submitter. Criteria: GeneDx Variant Classification Process June 2021. Collection method: clinical testing. Allele origin: germline. Affected: yes.
Comment: Has been reported in an individual with Marfan syndrome (Takeda et al., 2018); Not observed at significant frequency in large population cohorts (gnomAD); In silico analysis supports that this missense variant has a deleterious effect on protein structure/function; Affects a cysteine residue within a calcium-binding EGF-like domain of the FBN1 gene, which may affect disulfide bonding and is predicted to alter the structure and function of the protein; cysteine substitutions in the calcium-binding EGF-like domains represent the majority of pathogenic missense changes associated with FBN1-related disorders (Collod-Beroud et al., 2003); This variant is associated with the following publications: (PMID: 10486319, 12938084, 29848614)

Literature cited by the submitters: PubMed 29848614 (cited by Labcorp Genetics (formerly Invitae), Labcorp); PubMed 16905551 (cited by Labcorp Genetics (formerly Invitae), Labcorp); PubMed 19349279 (cited by Labcorp Genetics (formerly Invitae), Labcorp); PubMed 16571647 (cited by Labcorp Genetics (formerly Invitae), Labcorp); PubMed 17701892 (cited by Labcorp Genetics (formerly Invitae), Labcorp); PubMed 19293843 (cited by Labcorp Genetics (formerly Invitae), Labcorp); PubMed 26787436 (cited by Labcorp Genetics (formerly Invitae), Labcorp).

NM_000138.5(FBN1):c.6793T>C (p.Cys2265Arg)

Gene: FBN1 (fibrillin 1; minus strand). Cytogenetic location: 15q21.1.
Variant type: single nucleotide variant.
Coding change: c.6793T>C on transcript NM_000138.5 (MANE Select); coding-DNA position 6793, T replaced by C.
Protein change: p.Cys2265Arg; replaces cysteine 2265 with arginine.
Molecular consequence: missense variant.
Genome position (GRCh38, 1-based): chr15:48,430,749, A>G on the plus strand (T>C on the coding strand, the complement: FBN1 is on the minus strand). VCF-style: chr15-48430749-A-G. GRCh37 (hg19) VCF-style: chr15-48722946-A-G.
Other names: c.6793T>C, p.Cys2265Arg (NM_001406716.1); short protein forms C2265R.
Identifiers: ClinVar variation 2576879 (VCV002576879.3), dbSNP rs1057522272, ClinGen allele CA392332505.